The following is an entry in ClinVar:

NM_024652.6(LRRK1):c.1349A>G (p.Asn450Ser)

Gene: LRRK1 (leucine rich repeat kinase 1; plus strand). Cytogenetic location: 15q26.3.
Variant type: single nucleotide variant.
Coding change: c.1349A>G on transcript NM_024652.6 (MANE Select); coding-DNA position 1349, A replaced by G.
Protein change: p.Asn450Ser; replaces asparagine 450 with serine.
Molecular consequence: missense variant.
Genome position (GRCh38, 1-based): chr15:101,012,075, A>G. VCF-style: chr15-101012075-A-G. GRCh37 (hg19) VCF-style: chr15-101552280-A-G.
Other names: short protein forms N450S.
Identifiers: ClinVar variation 2803061 (VCV002803061.3), dbSNP rs2033279468, ClinGen allele CA393957518.

ClinVar aggregate classification (germline): Uncertain significance (1 of 4 stars; one submission).

Submission:

Labcorp Genetics (formerly Invitae), Labcorp
Classification: Uncertain significance. Last evaluated: 2025-01-15. Review status: criteria provided, single submitter. Criteria: Invitae Variant Classification Sherloc (09022015). Collection method: clinical testing. Allele origin: germline.
Comment: This sequence change replaces asparagine, which is neutral and polar, with serine, which is neutral and polar, at codon 450 of the LRRK1 protein (p.Asn450Ser). This variant is not present in population databases (gnomAD no frequency). This variant has not been reported in the literature in individuals affected with LRRK1-related conditions. ClinVar contains an entry for this variant (Variation ID: 2803061). An algorithm developed to predict the effect of missense changes on protein structure and function outputs the following: PolyPhen-2: "Benign". The serine amino acid residue is found in multiple mammalian species, which suggests that this missense change does not adversely affect protein function. In summary, the available evidence is currently insufficient to determine the role of this variant in disease. Therefore, it has been classified as a Variant of Uncertain Significance.